The following is an entry in ClinVar:

ClinVar aggregate classification (germline): Uncertain significance (1 of 4 stars; one submission).

Submission:

Labcorp Genetics (formerly Invitae), Labcorp
Classification: Uncertain significance. Last evaluated: 2025-08-11. Review status: criteria provided, single submitter. Criteria: Invitae Variant Classification Sherloc (09022015). Collection method: clinical testing. Allele origin: germline.
Comment: This sequence change replaces proline, which is neutral and non-polar, with serine, which is neutral and polar, at codon 570 of the SON protein (p.Pro570Ser). This variant is not present in population databases (gnomAD no frequency). This variant has not been reported in the literature in individuals affected with SON-related conditions. ClinVar contains an entry for this variant (Variation ID: 3719564). An algorithm developed to predict the effect of missense changes on protein structure and function outputs the following: PolyPhen-2: "Possibly Damaging". The serine amino acid residue is found in multiple mammalian species, which suggests that this missense change does not adversely affect protein function. In summary, the available evidence is currently insufficient to determine the role of this variant in disease. Therefore, it has been classified as a Variant of Uncertain Significance.

NM_138927.4(SON):c.1708C>T (p.Pro570Ser)

Gene: SON (SON DNA and RNA binding protein; plus strand). Cytogenetic location: 21q22.11.
Variant type: single nucleotide variant.
Coding change: c.1708C>T on transcript NM_138927.4 (MANE Select); coding-DNA position 1708, C replaced by T.
Protein change: p.Pro570Ser; replaces proline 570 with serine.
Molecular consequence: missense variant. On other transcripts: non-coding transcript variant (1), intron variant (1).
Genome position (GRCh38, 1-based): chr21:33,550,939, C>T. VCF-style: chr21-33550939-C-T. GRCh37 (hg19) VCF-style: chr21-34923245-C-T.
Other names: c.1708C>T, p.Pro570Ser (NM_001291411.2, NM_032195.3); c.244+4560C>T (NM_001291412.3); short protein forms P570S.
Identifiers: ClinVar variation 3719564 (VCV003719564.2).